The following is an entry in ClinVar:

NM_182493.3(MYLK3):c.640G>T (p.Ala214Ser)

Gene: MYLK3 (myosin light chain kinase 3; minus strand). Cytogenetic location: 16q11.2.
Variant type: single nucleotide variant.
Coding change: c.640G>T on transcript NM_182493.3 (MANE Select); coding-DNA position 640, G replaced by T.
Protein change: p.Ala214Ser; replaces alanine 214 with serine.
Molecular consequence: missense variant. On other transcripts: intron variant (1).
Genome position (GRCh38, 1-based): chr16:46,738,072, C>A on the plus strand (G>T on the coding strand, the complement: MYLK3 is on the minus strand). VCF-style: chr16-46738072-C-A. GRCh37 (hg19) VCF-style: chr16-46771984-C-A.
Other names: c.-23+1985G>T (NM_001308301.1); short protein forms A214S.
Identifiers: ClinVar variation 4710422 (VCV004710422.1).

ClinVar aggregate classification (germline): Uncertain significance (1 of 4 stars; one submission).

Submission:

Labcorp Genetics (formerly Invitae), Labcorp
Classification: Uncertain significance. Last evaluated: 2025-02-18. Review status: criteria provided, single submitter. Criteria: Invitae Variant Classification Sherloc (09022015). Collection method: clinical testing. Allele origin: germline.
Comment: This sequence change replaces alanine, which is neutral and non-polar, with serine, which is neutral and polar, at codon 214 of the MYLK3 protein (p.Ala214Ser). This variant is not present in population databases (gnomAD no frequency). This variant has not been reported in the literature in individuals affected with MYLK3-related conditions. An algorithm developed to predict the effect of missense changes on protein structure and function outputs the following: PolyPhen-2: "Benign". The serine amino acid residue is found in multiple mammalian species, which suggests that this missense change does not adversely affect protein function. In summary, the available evidence is currently insufficient to determine the role of this variant in disease. Therefore, it has been classified as a Variant of Uncertain Significance.